The following is an entry in ClinVar:

NM_000138.5(FBN1):c.3407_3431dup (p.His1144delinsGlnProLeuTer)

Gene: FBN1 (fibrillin 1; minus strand). Cytogenetic location: 15q21.1.
Variant type: Duplication.
Coding change: c.3407_3431dup on transcript NM_000138.5 (MANE Select); coding-DNA positions 3407 to 3431, 25 bases duplicated (ACCGCTGTGAATGCCCGCCTGGCCA).
Protein change: p.His1144delinsGlnProLeuTer.
Molecular consequence: nonsense. On other transcripts: frameshift variant (1).
Genome position (GRCh38, 1-based): chr15:48,487,344-48,487,368, TGGCCAGGCGGGCATTCACAGCGGT duplicated on the plus strand (ACCGCTGTGAATGCCCGCCTGGCCA on the coding strand, the reverse complement: FBN1 is on the minus strand). VCF-style (leftmost placement, unchanged base first): chr15-48487343-A-ATGGCCAGGCGGGCATTCACAGCGGT. GRCh37 (hg19) VCF-style: chr15-48779540-A-ATGGCCAGGCGGGCATTCACAGCGGT.
Other names: c.3407_3431dup, p.His1144Glnfs (NM_001406716.1).
Identifiers: ClinVar variation 2092978 (VCV002092978.4), dbSNP rs2505550140, ClinGen allele CA2580089617.

ClinVar aggregate classification (germline): Pathogenic (1 of 4 stars; one submission).

Conditions:
Familial thoracic aortic aneurysm and aortic dissection (TAAD). Also called: Thoracic aortic aneurysms and dissections. Identifiers: Orphanet 91387, MedGen C4707243, MONDO:0019625.
Marfan syndrome (MFS). Also called: MARFAN SYNDROME, TYPE I; Marfan syndrome type 1; Marfan's syndrome; Marfan syndrome, classic; FBN1-Related Marfan Syndrome. Identifiers: Orphanet 284963, Orphanet 558, MedGen C0024796, MONDO:0007947, OMIM 154700.

Submission:

Labcorp Genetics (formerly Invitae), Labcorp
Classification: Pathogenic for Marfan syndrome; Familial thoracic aortic aneurysm and aortic dissection. Last evaluated: 2022-02-04. Review status: criteria provided, single submitter. Criteria: Invitae Variant Classification Sherloc (09022015). Collection method: clinical testing. Allele origin: germline.
Comment: This sequence change creates a premature translational stop signal (p.His1144Glnfs*4) in the FBN1 gene. It is expected to result in an absent or disrupted protein product. Loss-of-function variants in FBN1 are known to be pathogenic (PMID: 17657824, 19293843). This variant is not present in population databases (gnomAD no frequency). This variant has not been reported in the literature in individuals affected with FBN1-related conditions. For these reasons, this variant has been classified as Pathogenic.

Literature cited by the submitters: PubMed 17657824; PubMed 19293843.